The following is an entry in ClinVar:

ClinVar aggregate classification (germline): Uncertain significance (1 of 4 stars; one submission).

Conditions:
Hereditary pancreatitis (PCTT). Also called: Hereditary chronic pancreatitis; PRSS1-Related Hereditary Pancreatitis. Identifiers: Orphanet 676, MedGen C0238339, MONDO:0008185, OMIM 167800.

Submission:

Ambry Genetics
Classification: Uncertain significance for Hereditary pancreatitis. Last evaluated: 2021-10-09. Review status: criteria provided, single submitter. Criteria: Ambry Variant Classification Scheme 2023. Collection method: clinical testing. Allele origin: germline.
Comment: The p.L247V variant (also known as c.739C>G), located in coding exon 7 of the CPA1 gene, results from a C to G substitution at nucleotide position 739. The leucine at codon 247 is replaced by valine, an amino acid with highly similar properties. This amino acid position is conserved. In addition, this alteration is predicted to be tolerated by in silico analysis. Since supporting evidence is limited at this time, the clinical significance of this alteration remains unclear.

NM_001868.4(CPA1):c.739C>G (p.Leu247Val)

Gene: CPA1 (carboxypeptidase A1; plus strand). Cytogenetic location: 7q32.2.
Variant type: single nucleotide variant.
Coding change: c.739C>G on transcript NM_001868.4 (MANE Select); coding-DNA position 739, C replaced by G.
Protein change: p.Leu247Val; replaces leucine 247 with valine.
Molecular consequence: missense variant.
Genome position (GRCh38, 1-based): chr7:130,384,578, C>G. VCF-style: chr7-130384578-C-G. GRCh37 (hg19) VCF-style: chr7-130024419-C-G.
Other names: short protein forms L247V.
Identifiers: ClinVar variation 1758696 (VCV001758696.2), dbSNP rs1796448904, ClinGen allele CA369282966.